The following is an entry in ClinVar:

ClinVar aggregate classification (germline): Pathogenic/Likely pathogenic. Review status: criteria provided, multiple submitters, no conflicts (2 of 4 stars). 3 submissions from 3 submitters: Pathogenic (2); Likely pathogenic (1). Last evaluated 2025-07-27.

Conditions:
USH2A-related disorder. Also called: USH2A-related disorders; USH2A-related condition. Identifiers: MedGen CN239332.

Allele frequency attached by ClinVar (database versions not stated): gnomAD exomes below 0.00001; TOPMed 0.00001.
gnomAD v4.1: 2 of 1,614,144 alleles (0.00012%); highest among the groups gnomAD compares: Non-Finnish European, 0.00017%; no homozygotes.

Submissions (3):

Labcorp Genetics (formerly Invitae), Labcorp
Classification: Pathogenic. Last evaluated: 2025-07-27. Review status: criteria provided, single submitter. Criteria: Invitae Variant Classification Sherloc (09022015). Collection method: clinical testing. Allele origin: germline.
Comment: This sequence change replaces tyrosine, which is neutral and polar, with cysteine, which is neutral and slightly polar, at codon 4494 of the USH2A protein (p.Tyr4494Cys). This variant is not present in population databases (gnomAD no frequency). This missense change has been observed in individual(s) with Usher syndrome (PMID: 28559085, 34948090). In at least one individual the data is consistent with being in trans (on the opposite chromosome) from a pathogenic variant. It has also been observed to segregate with disease in related individuals. ClinVar contains an entry for this variant (Variation ID: 1071762). Invitae Evidence Modeling of protein sequence and biophysical properties (such as structural, functional, and spatial information, amino acid conservation, physicochemical variation, residue mobility, and thermodynamic stability) has been performed for this missense variant. However, the output from this modeling did not meet the statistical confidence thresholds required to predict the impact of this variant on USH2A protein function. For these reasons, this variant has been classified as Pathogenic.

GeneDx
Classification: Likely pathogenic. Last evaluated: 2024-09-27. Review status: criteria provided, single submitter. Criteria: GeneDx Variant Classification Process June 2021. Collection method: clinical testing. Allele origin: germline.
Comment: Not observed at significant frequency in large population cohorts (gnomAD); In silico analysis supports that this missense variant has a deleterious effect on protein structure/function; This variant is associated with the following publications: (PMID: 28559085, 34948090)

Blueprint Genetics
Classification: Pathogenic for USH2A-related disorders. Last evaluated: 2022-09-02. Review status: criteria provided, single submitter. Criteria: ACMG Guidelines, 2015. Collection method: clinical testing. Allele origin: germline. Affected: yes. Observed: 2 variant alleles.

Literature cited by the submitters: PubMed 28559085 (cited by Labcorp Genetics (formerly Invitae), Labcorp); PubMed 34948090 (cited by Labcorp Genetics (formerly Invitae), Labcorp).

NM_206933.4(USH2A):c.13481A>G (p.Tyr4494Cys)

Gene: USH2A (usherin; minus strand). Cytogenetic location: 1q41.
Variant type: single nucleotide variant.
Coding change: c.13481A>G on transcript NM_206933.4 (MANE Select); coding-DNA position 13481, A replaced by G.
Protein change: p.Tyr4494Cys; replaces tyrosine 4494 with cysteine.
Molecular consequence: missense variant.
Genome position (GRCh38, 1-based): chr1:215,674,430, T>C on the plus strand (A>G on the coding strand, the complement: USH2A is on the minus strand). VCF-style: chr1-215674430-T-C. GRCh37 (hg19) VCF-style: chr1-215847772-T-C.
Other names: c.13481A>G (NM_206933.2); short protein forms Y4494C.
Identifiers: ClinVar variation 1071762 (VCV001071762.10), dbSNP rs1322092837, ClinGen allele CA344845060.